The following is an entry in ClinVar:

NM_004656.4(BAP1):c.857A>G (p.Lys286Arg)

Gene: BAP1 (BRCA1 associated deubiquitinase 1; minus strand). Cytogenetic location: 3p21.1.
Variant type: single nucleotide variant.
Coding change: c.857A>G on transcript NM_004656.4 (MANE Select); coding-DNA position 857, A replaced by G.
Protein change: p.Lys286Arg; replaces lysine 286 with arginine.
Molecular consequence: missense variant.
Genome position (GRCh38, 1-based): chr3:52,405,839, T>C on the plus strand (A>G on the coding strand, the complement: BAP1 is on the minus strand). VCF-style: chr3-52405839-T-C. GRCh37 (hg19) VCF-style: chr3-52439855-T-C.
Other names: c.803A>G, p.Lys268Arg (NM_001410772.1); short protein forms K286R, K268R.
Identifiers: ClinVar variation 2450434 (VCV002450434.2), dbSNP rs2153227244, ClinGen allele CA353106736.
Genomic context (GRCh38, chr3:52,405,839, plus strand): 5'-TCAGAGGCTGCAGGGGCCCTGTTTGCTTCCAGCACCAGCGGGGACTTGTTGCTGGCTGAC[T>C]TGGACTCCTCAGGCAGCTGTGACTCTTGAGACTTGTGGGTCTGAATCAGCTCTGGCTGTG-3'
Protein context (NP_004647.1, residues 276-296): SQESQLPEES[Lys286Arg]SASNKSPLVL

ClinVar aggregate classification (germline): Uncertain significance (1 of 4 stars; one submission).

Conditions:
Hereditary cancer-predisposing syndrome. Also called: Neoplastic Syndromes, Hereditary; Tumor predisposition; Hereditary neoplastic syndrome; Hereditary Cancer Syndrome. Identifiers: Orphanet 140162, MedGen C0027672, MeSH D009386, MONDO:0015356.

Submission:

Ambry Genetics
Classification: Uncertain significance for Hereditary cancer-predisposing syndrome. Last evaluated: 2023-01-04. Review status: criteria provided, single submitter. Criteria: Ambry Variant Classification Scheme 2023. Collection method: clinical testing. Allele origin: germline.
Comment: The p.K286R variant (also known as c.857A>G), located in coding exon 10 of the BAP1 gene, results from an A to G substitution at nucleotide position 857. The lysine at codon 286 is replaced by arginine, an amino acid with highly similar properties. This amino acid position is conserved. In addition, this alteration is predicted to be tolerated by in silico analysis. Since supporting evidence is limited at this time, the clinical significance of this alteration remains unclear.